The following is an entry in ClinVar:

ClinVar aggregate classification (germline): Uncertain significance (1 of 4 stars; one submission).

Allele frequency attached by ClinVar (database versions not stated): gnomAD exomes 0.00005 and 0.00006; ExAC 0.00007; gnomAD 0.00007; TOPMed 0.00007; ESP Exome Variant Server 0.00031.
gnomAD v4.1: 80 of 1,612,382 alleles (0.005%); highest among the groups gnomAD compares: Middle Eastern, 0.016%; no homozygotes.

Submission:

Labcorp Genetics (formerly Invitae), Labcorp
Classification: Uncertain significance. Last evaluated: 2026-01-28. Review status: criteria provided, single submitter. Criteria: Invitae Variant Classification Sherloc (09022015). Collection method: clinical testing. Allele origin: germline.
Comment: This sequence change replaces valine, which is neutral and non-polar, with isoleucine, which is neutral and non-polar, at codon 814 of the CLCN6 protein (p.Val814Ile). This variant is present in population databases (rs146822661, gnomAD 0.01%). This variant has not been reported in the literature in individuals affected with CLCN6-related conditions. ClinVar contains an entry for this variant (Variation ID: 1405141). An algorithm developed to predict the effect of missense changes on protein structure and function outputs the following: PolyPhen-2: "Benign". The isoleucine amino acid residue is found in multiple mammalian species, which suggests that this missense change does not adversely affect protein function. In summary, the available evidence is currently insufficient to determine the role of this variant in disease. Therefore, it has been classified as a Variant of Uncertain Significance.

NM_001286.5(CLCN6):c.2440G>A (p.Val814Ile)

Gene: CLCN6 (chloride voltage-gated channel 6; plus strand). Cytogenetic location: 1p36.22.
Variant type: single nucleotide variant.
Coding change: c.2440G>A on transcript NM_001286.5 (MANE Select); coding-DNA position 2440, G replaced by A.
Protein change: p.Val814Ile; replaces valine 814 with isoleucine.
Molecular consequence: missense variant. On other transcripts: non-coding transcript variant (1).
Genome position (GRCh38, 1-based): chr1:11,838,571, G>A. VCF-style: chr1-11838571-G-A. GRCh37 (hg19) VCF-style: chr1-11898628-G-A.
Other names: c.2374G>A, p.Val792Ile (NM_001256959.2); short protein forms V792I, V814I.
Identifiers: ClinVar variation 1405141 (VCV001405141.7), dbSNP rs146822661, ClinGen allele CA596861.